The following is an entry in ClinVar:

ClinVar aggregate classification (germline): Uncertain significance (1 of 4 stars; one submission).

gnomAD v4.1: 31 of 1,613,488 alleles (0.0019%); highest among the groups gnomAD compares: Admixed American, 0.032%; no homozygotes.

Submission:

Women's Health and Genetics/Laboratory Corporation of America, LabCorp
Classification: Uncertain significance. Last evaluated: 2025-11-18. Review status: criteria provided, single submitter. Criteria: LabCorp Variant Classification Summary - May 2015. Collection method: clinical testing. Allele origin: germline.
Comment: Variant summary: VWF c.7719C>A (p.Ser2573Arg) results in a non-conservative amino acid change in the encoded protein sequence. Algorithms developed to predict the effect of missense changes on protein structure and function are either unavailable or do not agree on the potential impact of this missense change. The variant allele was found at a frequency of 1.2e-05 in 248822 control chromosomes. The available data on variant occurrences in the general population are insufficient to allow any conclusion about variant significance. To our knowledge, no occurrence of c.7719C>A in individuals affected with VWF-related conditions and no experimental evidence demonstrating its impact on protein function have been reported. No submitters have cited clinical-significance assessments for this variant to ClinVar. Based on the evidence outlined above, the variant was classified as uncertain significance.

NM_000552.5(VWF):c.7719C>A (p.Ser2573Arg)

Gene: VWF (von Willebrand factor; minus strand). Cytogenetic location: 12p13.31.
Variant type: single nucleotide variant.
Coding change: c.7719C>A on transcript NM_000552.5 (MANE Select); coding-DNA position 7719, C replaced by A.
Protein change: p.Ser2573Arg; replaces serine 2573 with arginine.
Molecular consequence: missense variant.
Genome position (GRCh38, 1-based): chr12:5,969,221, G>T on the plus strand (C>A on the coding strand, the complement: VWF is on the minus strand). VCF-style: chr12-5969221-G-T. GRCh37 (hg19) VCF-style: chr12-6078387-G-T.
Other names: short protein forms S2573R.
Identifiers: ClinVar variation 4537353 (VCV004537353.1).